The following is an entry in ClinVar:

ClinVar aggregate classification (germline): Uncertain significance (1 of 4 stars; one submission).

gnomAD v4.1: 4 of 1,613,948 alleles (0.00025%); highest among the groups gnomAD compares: Non-Finnish European, 0.00034%; no homozygotes.

Submission:

Labcorp Genetics (formerly Invitae), Labcorp
Classification: Uncertain significance. Last evaluated: 2024-02-18. Review status: criteria provided, single submitter. Criteria: Invitae Variant Classification Sherloc (09022015). Collection method: clinical testing. Allele origin: germline.
Comment: This sequence change replaces glutamine, which is neutral and polar, with arginine, which is basic and polar, at codon 424 of the EMC1 protein (p.Gln424Arg). This variant is not present in population databases (gnomAD no frequency). This variant has not been reported in the literature in individuals affected with EMC1-related conditions. Advanced modeling of protein sequence and biophysical properties (such as structural, functional, and spatial information, amino acid conservation, physicochemical variation, residue mobility, and thermodynamic stability) performed at Invitae indicates that this missense variant is expected to disrupt EMC1 protein function with a positive predictive value of 80%. In summary, the available evidence is currently insufficient to determine the role of this variant in disease. Therefore, it has been classified as a Variant of Uncertain Significance.

NM_015047.3(EMC1):c.1271A>G (p.Gln424Arg)

Genes: EMC1 (ER membrane protein complex subunit 1; minus strand), EMC1-AS1 (EMC1 antisense RNA 1; plus strand). Cytogenetic location: 1p36.13.
Variant type: single nucleotide variant.
Coding change: c.1271A>G on transcript NM_015047.3 (MANE Select); coding-DNA position 1271, A replaced by G.
Protein change: p.Gln424Arg; replaces glutamine 424 with arginine.
Molecular consequence: missense variant.
Genome position (GRCh38, 1-based): chr1:19,237,180, T>C on the plus strand (A>G on the coding strand, the complement: EMC1 is on the minus strand). VCF-style: chr1-19237180-T-C. GRCh37 (hg19) VCF-style: chr1-19563674-T-C.
Other names: c.1268A>G, p.Gln423Arg (NM_001271427.2, NM_001375821.1); c.1271A>G, p.Gln424Arg (NM_001271428.2, NM_001375820.1); c.1205A>G, p.Gln402Arg (NM_001271429.2); short protein forms Q402R, Q423R, Q424R.
Identifiers: ClinVar variation 3693795 (VCV003693795.2).